The following is an entry in ClinVar:

ClinVar aggregate classification (germline): Uncertain significance. Review status: criteria provided, multiple submitters, no conflicts (2 of 4 stars). 2 submissions from 2 submitters: Uncertain significance (2). Last evaluated 2022-02-14.

Conditions:
Autosomal recessive nonsyndromic hearing loss 18B. Also called: Deafness, autosomal recessive 18b. Identifiers: Orphanet 90636, MedGen C3554163, MONDO:0013985, OMIM 614945.

Allele frequency attached by ClinVar (database versions not stated): gnomAD 0.00001; TOPMed 0.00002; gnomAD exomes 0.00006; ExAC 0.00019.
gnomAD v4.1: 44 of 1,550,350 alleles (0.0028%); highest among the groups gnomAD compares: South Asian, 0.03%; no homozygotes.

Submissions (2):

GeneDx
Classification: Uncertain significance. Last evaluated: 2022-02-14. Review status: criteria provided, single submitter. Criteria: GeneDx Variant Classification Process June 2021. Collection method: clinical testing. Allele origin: germline. Affected: yes.
Comment: In silico analysis supports that this missense variant does not alter protein structure/function; Has not been previously published as pathogenic or benign to our knowledge

Revvity Omics, Revvity
Classification: Uncertain significance for Autosomal recessive nonsyndromic hearing loss 18B. Last evaluated: 2020-02-07. Review status: criteria provided, single submitter. Criteria: ACMG Guidelines, 2015. Collection method: clinical testing. Allele origin: germline.

NM_001292063.2(OTOG):c.5185G>A (p.Gly1729Arg)

Gene: OTOG (otogelin; plus strand). Cytogenetic location: 11p15.1.
Variant type: single nucleotide variant.
Coding change: c.5185G>A on transcript NM_001292063.2 (MANE Select); coding-DNA position 5185, G replaced by A.
Protein change: p.Gly1729Arg; replaces glycine 1729 with arginine.
Molecular consequence: missense variant.
Genome position (GRCh38, 1-based): chr11:17,610,485, G>A. VCF-style: chr11-17610485-G-A. GRCh37 (hg19) VCF-style: chr11-17632032-G-A.
Other names: c.5221G>A, p.Gly1741Arg (NM_001277269.2); short protein forms G1729R, G1741R.
Identifiers: ClinVar variation 1700873 (VCV001700873.4), dbSNP rs368666159, ClinGen allele CA5905900.
Genomic context (GRCh38, chr11:17,610,485, plus strand): 5'-GTCAGTCCCCTTGCAACCAGGAGCTTGGAGATAGTGCTATCCACAGAGAAGGGCGAAGCC[G>A]GGCACAGCCAGCCCATGGGCTCGCCTGCCTCCCCACAGCCACACCCACTCCCCTCTGCAC-3'
Protein context (NP_001278992.1, residues 1719-1739): IVLSTEKGEA[Gly1729Arg]HSQPMGSPAS